The following is an entry in ClinVar:

NM_006755.2(TALDO1):c.37_38del (p.Ser13fs)

Gene: TALDO1 (transaldolase 1; plus strand). Cytogenetic location: 11p15.5.
Variant type: Deletion.
Coding change: c.37_38del on transcript NM_006755.2 (MANE Select); coding-DNA positions 37 to 38, 2 bases deleted (TC; older notation c.37_38delTC).
Protein change: p.Ser13fs; shifts the reading frame from serine 13.
Molecular consequence: frameshift variant.
Genome position (GRCh38, 1-based): chr11:747,518-747,519, TC deleted. VCF-style (leftmost placement, unchanged base first): chr11-747517-GTC-G. GRCh37 (hg19) VCF-style: chr11-747517-GTC-G.
Other names: short protein forms S13fs.
Identifiers: ClinVar variation 4986165 (VCV004986165.1).

ClinVar aggregate classification (germline): Likely pathogenic (1 of 4 stars; one submission).

Conditions:
TALDO1-related disorder. Also called: TALDO1-related condition.

Submission:

PreventionGenetics, part of Exact Sciences
Classification: Likely pathogenic for TALDO1-related condition. Last evaluated: 2026-05-14. Review status: criteria provided, single submitter. Criteria: ACMG Guidelines, 2015. Collection method: clinical testing. Allele origin: germline.
Comment: The TALDO1 c.37_38delTC variant is predicted to result in a frameshift and premature protein termination (p.Ser13Argfs*68). To our knowledge, this variant has not been reported in the literature or in a large population database (gnomAD), indicating this variant is rare. Frameshift variants in TALDO1 are expected to be pathogenic. This variant is interpreted as likely pathogenic.